The following is an entry in ClinVar:

NM_000090.4(COL3A1):c.4178T>G (p.Met1393Arg)

Gene: COL3A1 (collagen type III alpha 1 chain; plus strand). Cytogenetic location: 2q32.2.
Variant type: single nucleotide variant.
Coding change: c.4178T>G on transcript NM_000090.4 (MANE Select); coding-DNA position 4178, T replaced by G.
Protein change: p.Met1393Arg; replaces methionine 1393 with arginine.
Molecular consequence: missense variant.
Genome position (GRCh38, 1-based): chr2:189,010,814, T>G. VCF-style: chr2-189010814-T-G. GRCh37 (hg19) VCF-style: chr2-189875540-T-G.
Other names: short protein forms M1393R.
Identifiers: ClinVar variation 918373 (VCV000918373.5), dbSNP rs1688707596, ClinGen allele CA349849561.

ClinVar aggregate classification (germline): Uncertain significance (1 of 4 stars; one submission).

Conditions:
Familial thoracic aortic aneurysm and aortic dissection (TAAD). Also called: Thoracic aortic aneurysms and dissections. Identifiers: Orphanet 91387, MedGen C4707243, MONDO:0019625.

Submission:

Color Diagnostics, LLC DBA Color Health
Classification: Uncertain significance for Familial thoracic aortic aneurysm and aortic dissection. Last evaluated: 2023-12-04. Review status: criteria provided, single submitter. Criteria: ACMG Guidelines, 2015. Collection method: clinical testing. Allele origin: germline.
Comment: Variant of Uncertain Significance due to insufficient evidence: This missense variant is located in the C-terminal propeptide sequence of the COL3A1 protein. Computational prediction tools and conservation analyses are inconclusive regarding the impact of this variant on the protein function. Computational splicing tools suggest that this variant may not impact RNA splicing. To our knowledge, functional assays have not been performed for this variant nor has this variant been reported in individuals affected with cardiovascular disorders in the literature. This variant is rare in the general population and has been identified in 0/277264 chromosomes by the Genome Aggregation Database (gnomAD). Available evidence is insufficient to determine the role of this variant in disease conclusively.